The following is an entry in ClinVar:

NM_000392.5(ABCC2):c.517G>A (p.Gly173Arg)

Gene: ABCC2 (ATP binding cassette subfamily C member 2; plus strand). Cytogenetic location: 10q24.2.
Variant type: single nucleotide variant.
Coding change: c.517G>A on transcript NM_000392.5 (MANE Select); coding-DNA position 517, G replaced by A.
Protein change: p.Gly173Arg; replaces glycine 173 with arginine.
Molecular consequence: missense variant.
Genome position (GRCh38, 1-based): chr10:99,793,940, G>A. VCF-style: chr10-99793940-G-A. GRCh37 (hg19) VCF-style: chr10-101553697-G-A.
Other names: c.517G>A, p.Gly173Arg (LRG_1208t1); c.517G>A (NM_000392.4, NM_000392.3); short protein forms G173R.
Identifiers: ClinVar variation 596836 (VCV000596836.9), dbSNP rs138663047, ClinGen allele CA5642914.

ClinVar aggregate classification (germline): Uncertain significance. Review status: criteria provided, multiple submitters, no conflicts (2 of 4 stars). 4 submissions from 4 submitters: Uncertain significance (4). Last evaluated 2026-01-21.

Conditions:
Inborn genetic diseases. Identifiers: MedGen C0950123, MeSH D030342.
ABCC2-related disorder. Also called: ABCC2-related condition.
Dubin-Johnson syndrome (DJS). Also called: Hyperbilirubinemia type 2; Jaundice, Chronic Idiopathic; HYPERBILIRUBINEMIA, DUBIN-JOHNSON TYPE. Identifiers: Orphanet 234, MedGen C0022350, MONDO:0009380, OMIM 237500.

Allele frequency attached by ClinVar (database versions not stated): TOPMed 0.00002; ExAC 0.00003; gnomAD 0.00003 and 0.00004; gnomAD exomes 0.00003; ESP Exome Variant Server 0.00015.
gnomAD v4.1: 50 of 1,613,578 alleles (0.0031%); highest among the groups gnomAD compares: African/African-American, 0.0094%; no homozygotes.

Submissions (4):

PreventionGenetics, part of Exact Sciences
Classification: Uncertain significance for ABCC2-related condition. Last evaluated: 2026-01-21. Review status: criteria provided, single submitter. Criteria: ACMG Guidelines, 2015. Collection method: clinical testing. Allele origin: germline.
Comment: The ABCC2 c.517G>A variant is predicted to result in the amino acid substitution p.Gly173Arg. To our knowledge, this variant has not been reported in the literature. This variant is reported in 0.0080% of alleles in individuals of African descent in gnomAD. At this time, the clinical significance of this variant is uncertain due to the absence of conclusive functional and genetic evidence.

Ambry Genetics
Classification: Uncertain significance for Inborn genetic diseases. Last evaluated: 2024-06-07. Review status: criteria provided, single submitter. Criteria: Ambry Variant Classification Scheme 2023. Collection method: clinical testing. Allele origin: germline.

Fulgent Genetics
Classification: Uncertain significance for Dubin-Johnson syndrome. Last evaluated: 2021-11-01. Review status: criteria provided, single submitter. Criteria: ACMG Guidelines, 2015. Collection method: clinical testing. Allele origin: unknown.

Eurofins Ntd Llc (ga)
Classification: Uncertain significance. Last evaluated: 2018-04-10. Review status: criteria provided, single submitter. Criteria: EGL ClinVar v180209 classification definitions. Collection method: clinical testing. Allele origin: germline. Observed: 1 variant allele, 1 heterozygote.